The following is an entry in ClinVar:

NM_020843.4(SCAPER):c.3792A>C (p.Glu1264Asp)

Gene: SCAPER (S-phase cyclin A associated protein in the ER; minus strand). Cytogenetic location: 15q24.3.
Variant type: single nucleotide variant.
Coding change: c.3792A>C on transcript NM_020843.4 (MANE Select); coding-DNA position 3792, A replaced by C.
Protein change: p.Glu1264Asp; replaces glutamic acid 1264 with aspartic acid.
Molecular consequence: missense variant. On other transcripts: non-coding transcript variant (1).
Genome position (GRCh38, 1-based): chr15:76,376,225, T>G on the plus strand (A>C on the coding strand, the complement: SCAPER is on the minus strand). VCF-style: chr15-76376225-T-G. GRCh37 (hg19) VCF-style: chr15-76668566-T-G.
Other names: c.3054A>C, p.Glu1018Asp (NM_001145923.2); c.3810A>C, p.Glu1270Asp (NM_001353009.2); c.3390A>C, p.Glu1130Asp (NM_001353010.2, NM_001353012.2); c.3408A>C, p.Glu1136Asp (NM_001353011.2); short protein forms E1136D, E1264D, E1270D, E1018D, E1130D.
Identifiers: ClinVar variation 4996975 (VCV004996975.1).

ClinVar aggregate classification (germline): Uncertain significance (1 of 4 stars; one submission).

Conditions:
SCAPER-related disorder. Also called: SCAPER-related condition.

gnomAD v4.1: 6 of 1,613,976 alleles (0.00037%); highest among the groups gnomAD compares: Non-Finnish European, 0.00051%; no homozygotes.

Submission:

PreventionGenetics, part of Exact Sciences
Classification: Uncertain significance for SCAPER-related condition. Last evaluated: 2025-06-12. Review status: criteria provided, single submitter. Criteria: ACMG Guidelines, 2015. Collection method: clinical testing. Allele origin: germline.
Comment: The SCAPER c.3810A>C variant is predicted to result in the amino acid substitution p.Glu1270Asp. To our knowledge, this variant has not been reported in the literature or in a large population database (gnomAD), indicating this variant is rare. At this time, the clinical significance of this variant is uncertain due to the absence of conclusive functional and genetic evidence.